The following is an entry in ClinVar:

NM_032898.5(CEP19):c.232C>T (p.Arg78Ter)

Gene: CEP19 (centrosomal protein 19; minus strand). Cytogenetic location: 3q29.
Variant type: single nucleotide variant.
Coding change: c.232C>T on transcript NM_032898.5 (MANE Select); coding-DNA position 232, C replaced by T.
Protein change: p.Arg78Ter; replaces arginine 78 with a stop codon.
Molecular consequence: nonsense.
Genome position (GRCh38, 1-based): chr3:196,707,811, G>A on the plus strand (C>T on the coding strand, the complement: CEP19 is on the minus strand). VCF-style: chr3-196707811-G-A. GRCh37 (hg19) VCF-style: chr3-196434682-G-A.
Other names: R82*; short protein forms R78*.
Identifiers: ClinVar variation 120189 (VCV000120189.9), dbSNP rs587777230, ClinGen allele CA150777.

ClinVar aggregate classification (germline): Conflicting classifications of pathogenicity. Review status: criteria provided, conflicting classifications (1 of 4 stars). 3 submissions from 3 submitters: Likely pathogenic (1); Uncertain significance (1). 1 of the submissions does not count toward it. Last evaluated 2020-02-29.

Conditions:
Obesity due to CEP19 deficiency. Also called: Morbid obesity and spermatogenic failure. Identifiers: Orphanet 397615, MedGen C3810324, MONDO:0014309, OMIM 615703.

Allele frequency attached by ClinVar (database versions not stated): gnomAD exomes 0.00001; gnomAD 0.00002 and 0.00003; TOPMed 0.00003.
gnomAD v4.1: 19 of 1,614,026 alleles (0.0012%); highest among the groups gnomAD compares: African/African-American, 0.004%; no homozygotes.

Submissions (3):

Labcorp Genetics (formerly Invitae), Labcorp
Classification: Uncertain significance. Last evaluated: 2020-02-29. Review status: criteria provided, single submitter. Criteria: Invitae Variant Classification Sherloc (09022015). Collection method: clinical testing. Allele origin: germline.
Comment: In summary, the available evidence is currently insufficient to determine the role of this variant in disease. Therefore, it has been classified as a Variant of Uncertain Significance. This variant has been observed in a family affected with autosomal recessive morbid-obesity syndrome (PMID: 24268657). ClinVar contains an entry for this variant (Variation ID: 120189). This variant is not present in population databases (ExAC no frequency). This sequence change results in a premature translational stop signal in the CEP19 gene (p.Arg82*). While this is not anticipated to result in nonsense mediated decay, it is expected to disrupt the last 86 amino acids of the CEP19 protein. Experimental studies and prediction algorithms are not available or were not evaluated, and the functional significance of this variant is currently unknown.

Neuberg Centre For Genomic Medicine, NCGM
Classification: Likely pathogenic for Obesity due to CEP19 deficiency. Review status: criteria provided, single submitter. Criteria: ACMG Guidelines, 2015. Collection method: clinical testing. Allele origin: germline. Inheritance: Autosomal recessive inheritance. Affected: yes.
Comment: The observed stop gained c.232C>T(p.Arg78Ter) variant in CEP19 gene has been reported previously in homozgyous state in individual(s) affected with autosomal recessive morbid-obesity syndrome (Shalata A, et al., 2013). The c.232C>T variant is absent in gnomAD Exomes. This variant has been reported to the ClinVar database as Uncertain Significance / Pathogenic. Computational evidence (MutationTaster - Disease causing) predicts damaging effect on protein structure and function for this variant. This sequence change creates a premature translational stop signal (p.Arg82Ter) in the CEP19 gene. This variant is predicted to cause loss of normal protein function through protein truncation. Loss of function variants have been previously reported to be disease causing. However, additional functional studies will be required to prove the pathogenicity of this variant. For these reasons, this variant has been classified as Likely Pathogenic.

OMIM
Classification: Pathogenic for MORBID OBESITY AND SPERMATOGENIC FAILURE (1 family). Last evaluated: 2013-12-05. Review status: no assertion criteria provided. Collection method: literature only. Allele origin: germline. Not counted in ClinVar's aggregate classification.

Literature cited by the submitters: PubMed 24268657 (cited by Labcorp Genetics (formerly Invitae), Labcorp and OMIM).